The following is an entry in ClinVar:

ClinVar aggregate classification (germline): Uncertain significance (1 of 4 stars; one submission).

Allele frequency attached by ClinVar (database versions not stated): gnomAD 0.00001.
gnomAD v4.1: 1 of 1,613,408 alleles (0.000062%); highest among the groups gnomAD compares: Non-Finnish European, 0.000085%; no homozygotes.

Submission:

Labcorp Genetics (formerly Invitae), Labcorp
Classification: Uncertain significance. Last evaluated: 2025-09-08. Review status: criteria provided, single submitter. Criteria: Invitae Variant Classification Sherloc (09022015). Collection method: clinical testing. Allele origin: germline.
Comment: This sequence change replaces tyrosine, which is neutral and polar, with cysteine, which is neutral and slightly polar, at codon 96 of the RNASET2 protein (p.Tyr96Cys). This variant is present in population databases (no rsID available, gnomAD 0.007%). This variant has not been reported in the literature in individuals affected with RNASET2-related conditions. ClinVar contains an entry for this variant (Variation ID: 1986155). Invitae Evidence Modeling of protein sequence and biophysical properties (such as structural, functional, and spatial information, amino acid conservation, physicochemical variation, residue mobility, and thermodynamic stability) has been performed for this missense variant. However, the output from this modeling did not meet the statistical confidence thresholds required to predict the impact of this variant on RNASET2 protein function. In summary, the available evidence is currently insufficient to determine the role of this variant in disease. Therefore, it has been classified as a Variant of Uncertain Significance.

NM_003730.6(RNASET2):c.287A>G (p.Tyr96Cys)

Gene: RNASET2 (ribonuclease T2; minus strand). Cytogenetic location: 6q27.
Variant type: single nucleotide variant.
Coding change: c.287A>G on transcript NM_003730.6 (MANE Select); coding-DNA position 287, A replaced by G.
Protein change: p.Tyr96Cys; replaces tyrosine 96 with cysteine.
Molecular consequence: missense variant.
Genome position (GRCh38, 1-based): chr6:166,943,064, T>C on the plus strand (A>G on the coding strand, the complement: RNASET2 is on the minus strand). VCF-style: chr6-166943064-T-C. GRCh37 (hg19) VCF-style: chr6-167356552-T-C.
Other names: short protein forms Y96C.
Identifiers: ClinVar variation 1986155 (VCV001986155.4), dbSNP rs1280410103, ClinGen allele CA366407038.
Genomic context (GRCh38, chr6:166,943,064, plus strand): 5'-GAGGCTGGGACTTACCAGAAGCGGCTGCGATTGGGAAACGAGTGAATTACGTCAGGCCAG[T>C]ATGCCCTCATTTCTGGCAAAAGATCCTATGCATTAAAAAATAAAATAAGTCTACGCAGGT-3'
Protein context (NP_003721.2, residues 86-106): IKDLLPEMRA[Tyr96Cys]WPDVIHSFPN